The following is an entry in ClinVar:

ClinVar aggregate classification (germline): Uncertain significance (1 of 4 stars; one submission).

Submission:

Labcorp Genetics (formerly Invitae), Labcorp
Classification: Uncertain significance. Last evaluated: 2021-08-24. Review status: criteria provided, single submitter. Criteria: Invitae Variant Classification Sherloc (09022015). Collection method: clinical testing. Allele origin: germline.
Comment: This sequence change replaces threonine with serine at codon 1333 of the USH2A protein (p.Thr1333Ser). The threonine residue is highly conserved and there is a small physicochemical difference between threonine and serine. This variant is not present in population databases (ExAC no frequency). This variant has not been reported in the literature in individuals affected with USH2A-related conditions. Algorithms developed to predict the effect of missense changes on protein structure and function are either unavailable or do not agree on the potential impact of this missense change (SIFT: "Deleterious"; PolyPhen-2: "Probably Damaging"; Align-GVGD: "Class C0"). In summary, the available evidence is currently insufficient to determine the role of this variant in disease. Therefore, it has been classified as a Variant of Uncertain Significance.

NM_206933.4(USH2A):c.3998C>G (p.Thr1333Ser)

Genes: USH2A (usherin; minus strand), USH2A-AS1 (USH2A antisense RNA 1; plus strand). Cytogenetic location: 1q41.
Variant type: single nucleotide variant.
Coding change: c.3998C>G on transcript NM_206933.4 (MANE Select); coding-DNA position 3998, C replaced by G.
Protein change: p.Thr1333Ser; replaces threonine 1333 with serine.
Molecular consequence: missense variant.
Genome position (GRCh38, 1-based): chr1:216,198,398, G>C on the plus strand (C>G on the coding strand, the complement: USH2A is on the minus strand). VCF-style: chr1-216198398-G-C. GRCh37 (hg19) VCF-style: chr1-216371740-G-C.
Other names: c.3998C>G, p.Thr1333Ser (NM_007123.6); short protein forms T1333S.
Identifiers: ClinVar variation 961138 (VCV000961138.7), dbSNP rs1282015565, ClinGen allele CA344867020.